The following is an entry in ClinVar:

ClinVar aggregate classification (germline): Uncertain significance (1 of 4 stars; one submission).

gnomAD v4.1: 1 of 977,329 alleles (0.0001%); highest among the groups gnomAD compares: Non-Finnish European, 0.00013%; no homozygotes.

Submission:

GeneDx
Classification: Uncertain significance. Last evaluated: 2022-10-31. Review status: criteria provided, single submitter. Criteria: GeneDx Variant Classification Process June 2021. Collection method: clinical testing. Allele origin: germline. Affected: yes.
Comment: Not observed at significant frequency in large population cohorts (gnomAD); Initiation codon variant in an alternate transcript; Has not been previously published as pathogenic or benign to our knowledge

NM_002641.4(PIGA):c.-75A>T

Gene: PIGA (phosphatidylinositol glycan anchor biosynthesis class A; minus strand). Cytogenetic location: Xp22.2.
Variant type: single nucleotide variant.
Coding change: c.-75A>T on transcript NM_002641.4 (MANE Select); 75 bases upstream of the start codon, A replaced by T.
Molecular consequence: 5 prime UTR variant. On other transcripts: missense variant (1), initiator codon variant (1), non-coding transcript variant (2).
Genome position (GRCh38, 1-based): chrX:15,335,513, T>A on the plus strand (A>T on the coding strand, the complement: PIGA is on the minus strand). VCF-style: chrX-15335513-T-A. GRCh37 (hg19) VCF-style: chrX-15353635-T-A.
Other names: c.1A>T, p.Met1Leu (NM_020473.3); short protein forms M1L.
Identifiers: ClinVar variation 1191914 (VCV001191914.5), dbSNP rs985880836, ClinGen allele CA412342709.